The following is an entry in ClinVar:

ClinVar aggregate classification (germline): Pathogenic (1 of 4 stars; one submission).

Conditions:
Developmental and epileptic encephalopathy, 43 (DEE43). Also called: Epileptic encephalopathy, early infantile, 43. Identifiers: MedGen C4310712, MONDO:0014921, OMIM 617113.

Submission:

Clinical Genomics Laboratory, Washington University in St. Louis
Classification: Pathogenic for Developmental and epileptic encephalopathy, 43. Last evaluated: 2024-07-23. Review status: criteria provided, single submitter. Criteria: ACMG Guidelines, 2015. Collection method: clinical testing. Allele origin: germline. Affected: yes.
Comment: The GABRB3 c.238A>G (p.Met80Val) variant has been reported as occurring de novo in three individual affected with Developmental and epileptic encephalopathy 43 (Demos M et al., PMID: 31164858; D'Gama AM et al., PMID: 37596007; Maillard PY et al., PMID: 35718920). This variant is absent from the general population (gnomAD v.2.1.1), indicating it is not a common variant. Computational predictors indicate that the variant is damaging, evidence that correlates with impact to GABRB3 function. Other variants in the same codon, c.238A>T (p.Met80Leu), c.239T>A (p.Met80Lys) and c.239T>C (p.Met80Thr) have been reported as de novo in four individuals affected with Developmental and epileptic encephalopathy 43 and are considered pathogenic (Absalom NL et al., PMID: 33585817, ClinVar Variation ID: 420927; Johannesen KM et al., PMID: 34906499; Yang Y et al., PMID: 34698933). Based on available information and the ACMG/AMP guidelines for variant interpretation (Richards S et al., PMID: 25741868), this variant is classified as pathogenic.

NM_000814.6(GABRB3):c.238A>G (p.Met80Val)

Gene: GABRB3 (gamma-aminobutyric acid type A receptor subunit beta3; minus strand). Cytogenetic location: 15q12.
Variant type: single nucleotide variant.
Coding change: c.238A>G on transcript NM_000814.6 (MANE Select); coding-DNA position 238, A replaced by G.
Protein change: p.Met80Val; replaces methionine 80 with valine.
Molecular consequence: missense variant. On other transcripts: 5 prime UTR variant (1).
Genome position (GRCh38, 1-based): chr15:26,772,404, T>C on the plus strand (A>G on the coding strand, the complement: GABRB3 is on the minus strand). VCF-style: chr15-26772404-T-C. GRCh37 (hg19) VCF-style: chr15-27017551-T-C.
Other names: c.-114A>G (NM_001278631.2); c.238A>G, p.Met80Val (NM_021912.5); short protein forms M80V.
Identifiers: ClinVar variation 3600364 (VCV003600364.2).